The following is an entry in ClinVar:

ClinVar aggregate classification (germline): Benign/Likely benign. Review status: criteria provided, multiple submitters, no conflicts (2 of 4 stars). 3 submissions from 3 submitters: Benign (1); Likely benign (2). Last evaluated 2024-08-28.

Conditions:
Hereditary cancer-predisposing syndrome. Also called: Tumor predisposition; Neoplastic Syndromes, Hereditary; Hereditary Cancer Syndrome; Hereditary neoplastic syndrome. Identifiers: Orphanet 140162, MedGen C0027672, MeSH D009386, MONDO:0015356.
Familial adenomatous polyposis 1 (FAP1). Also called: POLYPOSIS, ADENOMATOUS INTESTINAL; FAMILIAL ADENOMATOUS POLYPOSIS 1, ATTENUATED. Identifiers: MedGen C2713442, MONDO:0021056, OMIM 175100. Disease mechanism: loss of function.

Submissions (3):

Ambry Genetics
Classification: Likely benign for Hereditary cancer-predisposing syndrome. Last evaluated: 2024-08-28. Review status: criteria provided, single submitter. Criteria: Ambry Variant Classification Scheme 2023. Collection method: clinical testing. Allele origin: germline.

Myriad Genetics, Inc.
Classification: Benign for Familial adenomatous polyposis 1. Last evaluated: 2024-03-12. Review status: criteria provided, single submitter. Criteria: Myriad Autosomal Dominant, Autosomal Recessive and X-Linked Classification Criteria (2023). Collection method: clinical testing. Allele origin: unknown.
Comment: This variant is considered benign. This variant is a silent/synonymous amino acid change and it is not expected to impact splicing.

Labcorp Genetics (formerly Invitae), Labcorp
Classification: Likely benign for Familial adenomatous polyposis 1. Last evaluated: 2023-06-22. Review status: criteria provided, single submitter. Criteria: Invitae Variant Classification Sherloc (09022015). Collection method: clinical testing. Allele origin: germline.

NM_000038.6(APC):c.2439T>C (p.Asn813=)

Gene: APC (APC regulator of Wnt signaling pathway; plus strand). Cytogenetic location: 5q22.2.
Variant type: single nucleotide variant.
Coding change: c.2439T>C on transcript NM_000038.6 (MANE Select); coding-DNA position 2439, T replaced by C.
Protein change: p.Asn813=; no amino-acid change (asparagine 813 retained).
Molecular consequence: synonymous variant.
Genome position (GRCh38, 1-based): chr5:112,838,033, T>C. VCF-style: chr5-112838033-T-C. GRCh37 (hg19) VCF-style: chr5-112173730-T-C.
Other names: c.2439T>C, p.Asn813= (NM_001127510.3, NM_001354895.2); c.2385T>C, p.Asn795= (NM_001127511.3); c.2493T>C, p.Asn831= (NM_001354896.2); c.2469T>C, p.Asn823= (NM_001354897.2); c.2364T>C, p.Asn788= (NM_001354898.2); c.2355T>C, p.Asn785= (NM_001354899.2); c.2316T>C, p.Asn772= (NM_001354900.2); c.2262T>C, p.Asn754= (NM_001354901.2); and 5 more.
Identifiers: ClinVar variation 799288 (VCV000799288.14), dbSNP rs1554084165, ClinGen allele CA445963483.